The following is an entry in ClinVar:

ClinVar aggregate classification (germline): Uncertain significance (1 of 4 stars; one submission).

Conditions:
Alstrom syndrome (ALMS). Identifiers: Orphanet 64, MedGen C0268425, MONDO:0008763, OMIM 203800.

Allele frequency attached by ClinVar (database versions not stated): ExAC 0.00002; gnomAD exomes 0.00002.

Submission:

Labcorp Genetics (formerly Invitae), Labcorp
Classification: Uncertain significance for Alstrom syndrome. Last evaluated: 2021-08-04. Review status: criteria provided, single submitter. Criteria: Invitae Variant Classification Sherloc (09022015). Collection method: clinical testing. Allele origin: germline.
Comment: In summary, the available evidence is currently insufficient to determine the role of this variant in disease. Therefore, it has been classified as a Variant of Uncertain Significance. Experimental studies and prediction algorithms are not available or were not evaluated, and the functional significance of this variant is currently unknown. This sequence change replaces tyrosine with phenylalanine at codon 1145 of the ALMS1 protein (p.Tyr1145Phe). The tyrosine residue is weakly conserved and there is a small physicochemical difference between tyrosine and phenylalanine. This variant is present in population databases (rs749513495, ExAC 0.02%). This variant has not been reported in the literature in individuals affected with ALMS1-related conditions.

NM_001378454.1(ALMS1):c.3431A>T (p.Tyr1144Phe)

Gene: ALMS1 (ALMS1 centrosome and basal body associated protein; plus strand). Cytogenetic location: 2p13.1.
Variant type: single nucleotide variant.
Coding change: c.3431A>T on transcript NM_001378454.1 (MANE Select); coding-DNA position 3431, A replaced by T.
Protein change: p.Tyr1144Phe; replaces tyrosine 1144 with phenylalanine.
Molecular consequence: missense variant.
Genome position (GRCh38, 1-based): chr2:73,449,958, A>T. VCF-style: chr2-73449958-A-T. GRCh37 (hg19) VCF-style: chr2-73677085-A-T.
Other names: c.3434A>T, p.Tyr1145Phe (NM_015120.4); short protein forms Y1144F, Y1145F.
Identifiers: ClinVar variation 1409196 (VCV001409196.6), dbSNP rs749513495, ClinGen allele CA1713524.